The following is an entry in ClinVar:

ClinVar aggregate classification (germline): Likely benign (1 of 4 stars; one submission).

Conditions:
DST-related disorder. Also called: DST-related disorders; DST-related condition.

gnomAD v4.1: 9 of 1,604,620 alleles (0.00056%); highest among the groups gnomAD compares: Admixed American, 0.0085%; no homozygotes.

Submission:

PreventionGenetics, part of Exact Sciences
Classification: Likely benign for DST-related condition. Last evaluated: 2025-04-02. Review status: criteria provided, single submitter. Criteria: ACMG Guidelines, 2015. Collection method: clinical testing. Allele origin: germline.
Comment: This variant is classified as likely benign based on ACMG/AMP sequence variant interpretation guidelines (Richards et al. 2015 PMID: 25741868, with internal and published modifications).

NM_001374736.1(DST):c.12762G>A (p.Val4254=)

Gene: DST (dystonin; minus strand). Cytogenetic location: 6p12.1.
Variant type: single nucleotide variant.
Coding change: c.12762G>A on transcript NM_001374736.1 (MANE Select); coding-DNA position 12762, G replaced by A.
Protein change: p.Val4254=; no amino-acid change (valine 4254 retained).
Molecular consequence: synonymous variant.
Genome position (GRCh38, 1-based): chr6:56,592,323, C>T on the plus strand (G>A on the coding strand, the complement: DST is on the minus strand). VCF-style: chr6-56592323-C-T. GRCh37 (hg19) VCF-style: chr6-56457121-C-T.
Other names: c.6405G>A, p.Val2135= (NM_001144769.5); c.5991G>A, p.Val1997= (NM_001144770.2); c.12762G>A, p.Val4254= (NM_001374722.1); c.12129G>A, p.Val4043= (NM_001374729.1); c.5871G>A, p.Val1957= (NM_001374730.1, NM_001386100.1, NM_183380.4); c.12789G>A, p.Val4263= (NM_001374734.1); c.4893G>A, p.Val1631= (NM_015548.5).
Identifiers: ClinVar variation 4986542 (VCV004986542.1).
Genomic context (GRCh38, chr6:56,592,323, plus strand): 5'-ACAGGCCTGGAGTCCAGCAAGAAGTCCACATGAAGCATCTTCATAGTGTTGATATTTATC[C>T]ACCAGATCTTTAAGATTATTTCCAAGAACATTGCACTAACAATCAAAAGAGAAAAGGGGT-3'
Protein context (NP_001361665.1, residues 4244-4264): NVLGNNLKDL[Val4254=]DKYQHYEDAS